The following is an entry in ClinVar:

ClinVar aggregate classification (germline): Likely pathogenic (1 of 4 stars; one submission).

Conditions:
Autoinflammatory disease, familial, Behcet-like-3. Also called: Mucocutaneous ulceration, chronic. Identifiers: Orphanet 596759, MedGen C4748997, MONDO:0032659, OMIM 618287.

Submission:

Institute of Human Genetics, University of Goettingen
Classification: Likely pathogenic for Autoinflammatory disease, familial, Behcet-like-3. Last evaluated: 2023-09-23. Review status: criteria provided, single submitter. Criteria: ACMG Guidelines, 2015. Collection method: clinical testing. Allele origin: germline. Affected: yes. Observed: 1 variant allele.
Comment: PVS1, PM2

NM_021975.4(RELA):c.1310C>G (p.Ser437Ter)

Gene: RELA (RELA proto-oncogene, NF-kB subunit; minus strand). Cytogenetic location: 11q13.1.
Variant type: single nucleotide variant.
Coding change: c.1310C>G on transcript NM_021975.4 (MANE Select); coding-DNA position 1310, C replaced by G.
Protein change: p.Ser437Ter; replaces serine 437 with a stop codon.
Molecular consequence: nonsense. On other transcripts: intron variant (1).
Genome position (GRCh38, 1-based): chr11:65,654,724, G>C on the plus strand (C>G on the coding strand, the complement: RELA is on the minus strand). VCF-style: chr11-65654724-G-C. GRCh37 (hg19) VCF-style: chr11-65422195-G-C.
Other names: c.1301C>G, p.Ser434Ter (NM_001145138.2); c.1103C>G, p.Ser368Ter (NM_001243984.2); c.1343C>G, p.Ser448Ter (NM_001404657.1); c.1283C>G, p.Ser428Ter (NM_001404658.1); c.1097C>G, p.Ser366Ter (NM_001404659.1); c.992C>G, p.Ser331Ter (NM_001404660.1); c.929C>G, p.Ser310Ter (NM_001404661.1); c.1217C>G, p.Ser406Ter (NM_001404662.1, NM_001404663.1); and 1 more; short protein forms S310*, S331*, S366*, S368*, S406*, S428*, S434*, S437*.
Identifiers: ClinVar variation 3068723 (VCV003068723.2), dbSNP rs749716796, ClinGen allele CA6106619.